The following is an entry in ClinVar:

NM_014804.3(KIAA0753):c.1917G>C (p.Gln639His)

Gene: KIAA0753 (KIAA0753; minus strand). Cytogenetic location: 17p13.1.
Variant type: single nucleotide variant.
Coding change: c.1917G>C on transcript NM_014804.3 (MANE Select); coding-DNA position 1917, G replaced by C.
Protein change: p.Gln639His; replaces glutamine 639 with histidine.
Molecular consequence: missense variant. On other transcripts: non-coding transcript variant (3).
Genome position (GRCh38, 1-based): chr17:6,607,183, C>G on the plus strand (G>C on the coding strand, the complement: KIAA0753 is on the minus strand). VCF-style: chr17-6607183-C-G. GRCh37 (hg19) VCF-style: chr17-6510503-C-G.
Other names: c.1020G>C, p.Gln340His (NM_001351225.2); short protein forms Q340H, Q639H.
Identifiers: ClinVar variation 3680051 (VCV003680051.2).

ClinVar aggregate classification (germline): Uncertain significance (1 of 4 stars; one submission).

gnomAD v4.1: 1 of 1,612,928 alleles (0.000062%); highest among the groups gnomAD compares: Non-Finnish European, 0.000085%; no homozygotes.

Submission:

Labcorp Genetics (formerly Invitae), Labcorp
Classification: Uncertain significance. Last evaluated: 2024-10-30. Review status: criteria provided, single submitter. Criteria: Invitae Variant Classification Sherloc (09022015). Collection method: clinical testing. Allele origin: germline.
Comment: This sequence change replaces glutamine, which is neutral and polar, with histidine, which is basic and polar, at codon 639 of the KIAA0753 protein (p.Gln639His). This variant is not present in population databases (gnomAD no frequency). This variant has not been reported in the literature in individuals affected with KIAA0753-related conditions. An algorithm developed to predict the effect of missense changes on protein structure and function (PolyPhen-2) suggests that this variant is likely to be tolerated. In summary, the available evidence is currently insufficient to determine the role of this variant in disease. Therefore, it has been classified as a Variant of Uncertain Significance.